The following is an entry in ClinVar:

NM_006348.5(COG5):c.30_36del (p.Ala11fs)

Gene: COG5 (component of oligomeric golgi complex 5; minus strand). Cytogenetic location: 7q22.3.
Variant type: Deletion.
Coding change: c.30_36del on transcript NM_006348.5 (MANE Select); coding-DNA positions 30 to 36, 7 bases deleted (AGCTGGC; older notation c.30_36delAGCTGGC).
Protein change: p.Ala11fs; shifts the reading frame from alanine 11.
Molecular consequence: frameshift variant.
Genome position (GRCh38, 1-based): chr7:107,563,861-107,563,867, GCCAGCT deleted on the plus strand (AGCTGGC on the coding strand, the reverse complement: COG5 is on the minus strand). VCF-style (leftmost placement, unchanged base first): chr7-107563860-GGCCAGCT-G. GRCh37 (hg19) VCF-style: chr7-107204305-GGCCAGCT-G.
Other names: c.30_36del, p.Ala11fs (NM_001161520.2, NM_001379511.1, NM_001379512.1 and 5 more transcripts); short protein forms A11fs.
Identifiers: ClinVar variation 1698534 (VCV001698534.1), dbSNP rs2129184409, ClinGen allele CA2580076149.
Genomic context (GRCh38, chr7:107,563,860, plus strand): 5'-TACCGTCCTGCAGAAGTTCCCGGACTGTAGCTGCAGCCGCTCCAGAGCCTCGAGCTCCGA[GGCCAGCT>G]ACAGCGACGCTGCCGCCGCCACCTTCCATGTTGGCAGGTGCCGGGTTGATGTCGTCAGCA-3'

ClinVar aggregate classification (germline): Likely pathogenic (1 of 4 stars; one submission).

Conditions:
COG5-congenital disorder of glycosylation. Also called: CONGENITAL DISORDER OF GLYCOSYLATION, TYPE IIi; COG5-CDG; CDG IIi. Identifiers: Orphanet 263487, MedGen C3150876, MONDO:0013325, OMIM 613612.

Submission:

Women's Health and Genetics/Laboratory Corporation of America, LabCorp
Classification: Likely pathogenic for COG5-congenital disorder of glycosylation. Last evaluated: 2022-06-09. Review status: criteria provided, single submitter. Criteria: LabCorp Variant Classification Summary - May 2015. Collection method: clinical testing. Allele origin: germline.
Comment: Variant summary: COG5 c.123_129delAGCTGGC (p.Ala42SerfsX26) results in a premature termination codon, predicted to cause a truncation of the encoded protein or absence of the protein due to nonsense mediated decay, which are commonly known mechanisms for disease. Truncations downstream of this position have been associated with Congenital disorder of glycosylation in HGMD. The variant was absent in 247204 control chromosomes (gnomAD). To our knowledge, no occurrence of c.123_129delAGCTGGC in individuals affected with Congenital Disorder Of Glycosylation, Type 2i and no experimental evidence demonstrating its impact on protein function have been reported. Based on the evidence outlined above, the variant was classified as likely pathogenic.